The following is an entry in ClinVar:

NM_004360.5(CDH1):c.1880C>T (p.Thr627Ile)

Gene: CDH1 (cadherin 1; plus strand). Cytogenetic location: 16q22.1.
Variant type: single nucleotide variant.
Coding change: c.1880C>T on transcript NM_004360.5 (MANE Select); coding-DNA position 1880, C replaced by T.
Protein change: p.Thr627Ile; replaces threonine 627 with isoleucine.
Molecular consequence: missense variant. On other transcripts: 5 prime UTR variant (1).
Genome position (GRCh38, 1-based): chr16:68,822,169, C>T. VCF-style: chr16-68822169-C-T. GRCh37 (hg19) VCF-style: chr16-68856072-C-T.
Other names: c.-86C>T (NM_001317186.2); c.1697C>T, p.Thr566Ile (NM_001317184.2); c.332C>T, p.Thr111Ile (NM_001317185.2); short protein forms T111I, T627I, T566I.
Identifiers: ClinVar variation 924398 (VCV000924398.4), dbSNP rs751265976, ClinGen allele CA396467121.

ClinVar aggregate classification (germline): Uncertain significance (1 of 4 stars; one submission).

Conditions:
Hereditary cancer-predisposing syndrome. Also called: Neoplastic Syndromes, Hereditary; Tumor predisposition; Hereditary Cancer Syndrome; Hereditary neoplastic syndrome. Identifiers: Orphanet 140162, MedGen C0027672, MeSH D009386, MONDO:0015356.

Submission:

Color Diagnostics, LLC DBA Color Health
Classification: Uncertain significance for Hereditary cancer-predisposing syndrome. Last evaluated: 2024-03-06. Review status: criteria provided, single submitter. Criteria: ACMG Guidelines, 2015. Collection method: clinical testing. Allele origin: germline.
Comment: This missense variant replaces threonine with isoleucine at codon 627 of the CDH1 protein. Computational prediction suggests that this variant may not impact protein structure and function (internally defined REVEL score threshold <= 0.5, PMID: 27666373). Splice site prediction tools suggest that this variant may not impact RNA splicing. To our knowledge, functional studies have not been performed for this variant. This variant has not been reported in individuals affected with hereditary cancer in the literature. This variant has not been identified in the general population by the Genome Aggregation Database (gnomAD). The available evidence is insufficient to determine the role of this variant in disease conclusively. Therefore, this variant is classified as a Variant of Uncertain Significance.